The following is an entry in ClinVar:

NM_001252024.2(TRPM1):c.325C>G (p.Leu109Val)

Gene: TRPM1 (transient receptor potential cation channel subfamily M member 1; minus strand). Cytogenetic location: 15q13.3.
Variant type: single nucleotide variant.
Coding change: c.325C>G on transcript NM_001252024.2 (MANE Select); coding-DNA position 325, C replaced by G.
Protein change: p.Leu109Val; replaces leucine 109 with valine.
Molecular consequence: missense variant.
Genome position (GRCh38, 1-based): chr15:31,068,047, G>C on the plus strand (C>G on the coding strand, the complement: TRPM1 is on the minus strand). VCF-style: chr15-31068047-G-C. GRCh37 (hg19) VCF-style: chr15-31360250-G-C.
Other names: c.376C>G, p.Leu126Val (NM_001252020.2); c.259C>G, p.Leu87Val (NM_002420.6); short protein forms L87V, L109V, L126V.
Identifiers: ClinVar variation 2041350 (VCV002041350.4), dbSNP rs1167275729, ClinGen allele CA391535184.

ClinVar aggregate classification (germline): Uncertain significance (1 of 4 stars; one submission).

Submission:

Labcorp Genetics (formerly Invitae), Labcorp
Classification: Uncertain significance. Last evaluated: 2022-10-05. Review status: criteria provided, single submitter. Criteria: Invitae Variant Classification Sherloc (09022015). Collection method: clinical testing. Allele origin: germline.
Comment: Algorithms developed to predict the effect of missense changes on protein structure and function (SIFT, PolyPhen-2, Align-GVGD) all suggest that this variant is likely to be disruptive. In summary, the available evidence is currently insufficient to determine the role of this variant in disease. Therefore, it has been classified as a Variant of Uncertain Significance. This variant has not been reported in the literature in individuals affected with TRPM1-related conditions. This variant is not present in population databases (gnomAD no frequency). This sequence change replaces leucine, which is neutral and non-polar, with valine, which is neutral and non-polar, at codon 87 of the TRPM1 protein (p.Leu87Val).